The following is an entry in ClinVar:

NM_000337.6(SGCD):c.27C>G (p.His9Gln)

Gene: SGCD (sarcoglycan delta; plus strand). Cytogenetic location: 5q33.3.
Variant type: single nucleotide variant.
Coding change: c.27C>G on transcript NM_000337.6 (MANE Select); coding-DNA position 27, C replaced by G.
Protein change: p.His9Gln; replaces histidine 9 with glutamine.
Molecular consequence: missense variant.
Genome position (GRCh38, 1-based): chr5:156,344,512, C>G. VCF-style: chr5-156344512-C-G. GRCh37 (hg19) VCF-style: chr5-155771522-C-G.
Other names: c.24C>G, p.His8Gln (NM_001128209.2); c.27C>G, p.His9Gln (NM_172244.3); short protein forms H8Q, H9Q.
Identifiers: ClinVar variation 4163695 (VCV004163695.1).
Genomic context (GRCh38, chr5:156,344,512, plus strand): 5'-TAATGTGAGTGCTTCTCTCTTGCCTCGTTTATTTCAGATGCCTCAGGAGCAGTACACTCA[C>G]CACCGGAGCACCATGCCTGGCTCTGTGGGGCCACAGGTATACAAGGTGGGGATTTATGGC-3'
Protein context (NP_000328.2, residues 1-19): MMPQEQYT[His9Gln]HRSTMPGSVG

ClinVar aggregate classification (germline): Uncertain significance (1 of 4 stars; one submission).

Conditions:
Inborn genetic diseases. Identifiers: MedGen C0950123, MeSH D030342.

Submission:

Ambry Genetics
Classification: Uncertain significance for Inborn genetic diseases. Last evaluated: 2025-08-28. Review status: criteria provided, single submitter. Criteria: Ambry Variant Classification Scheme 2023. Collection method: clinical testing. Allele origin: germline.
Comment: The p.H9Q variant (also known as c.27C>G), located in coding exon 2 of the SGCD gene, results from a C to G substitution at nucleotide position 27. The histidine at codon 9 is replaced by glutamine, an amino acid with highly similar properties. This amino acid position is conserved. In addition, the in silico prediction for this alteration is inconclusive. Based on the available evidence, the clinical significance of this variant remains unclear.